The following is an entry in ClinVar:

ClinVar aggregate classification (germline): Uncertain significance (1 of 4 stars; one submission).

Submission:

Labcorp Genetics (formerly Invitae), Labcorp
Classification: Uncertain significance. Last evaluated: 2025-10-23. Review status: criteria provided, single submitter. Criteria: Invitae Variant Classification Sherloc (09022015). Collection method: clinical testing. Allele origin: germline.
Comment: This sequence change replaces tyrosine, which is neutral and polar, with cysteine, which is neutral and slightly polar, at codon 390 of the ZNF408 protein (p.Tyr390Cys). This variant is not present in population databases (gnomAD no frequency). This variant has not been reported in the literature in individuals affected with ZNF408-related conditions. ClinVar contains an entry for this variant (Variation ID: 1516048). An algorithm developed to predict the effect of missense changes on protein structure and function (PolyPhen-2) suggests that this variant is likely to be disruptive. In summary, the available evidence is currently insufficient to determine the role of this variant in disease. Therefore, it has been classified as a Variant of Uncertain Significance.

NM_024741.3(ZNF408):c.1169A>G (p.Tyr390Cys)

Gene: ZNF408 (zinc finger protein 408; plus strand). Cytogenetic location: 11p11.2.
Variant type: single nucleotide variant.
Coding change: c.1169A>G on transcript NM_024741.3 (MANE Select); coding-DNA position 1169, A replaced by G.
Protein change: p.Tyr390Cys; replaces tyrosine 390 with cysteine.
Molecular consequence: missense variant.
Genome position (GRCh38, 1-based): chr11:46,704,869, A>G. VCF-style: chr11-46704869-A-G. GRCh37 (hg19) VCF-style: chr11-46726419-A-G.
Other names: c.1145A>G, p.Tyr382Cys (NM_001184751.2); short protein forms Y382C, Y390C.
Identifiers: ClinVar variation 1516048 (VCV001516048.6), dbSNP rs2064739073, ClinGen allele CA380255090.